The following is an entry in ClinVar:

NC_000007.13:g.(?_33185855)_(33195324_?)del

Gene: BBS9 (Bardet-Biedl syndrome 9; plus strand). Cytogenetic location: 7p14.3.
Variant type: Deletion.
Identifiers: ClinVar variation 1070393 (VCV001070393.7).

ClinVar aggregate classification (germline): Pathogenic (1 of 4 stars; one submission).

Conditions:
Bardet-Biedl syndrome (BBS). Identifiers: Orphanet 110, MedGen C0752166, MONDO:0015229.

Submission:

Labcorp Genetics (formerly Invitae), Labcorp
Classification: Pathogenic for Bardet-Biedl syndrome. Last evaluated: 2015-09-02. Review status: criteria provided, single submitter. Criteria: Invitae Variant Classification Sherloc (09022015). Collection method: clinical testing. Allele origin: germline.
Comment: For these reasons, this variant has been classified as Pathogenic. While this particular variant has not been reported in the literature, exon deletions of BBS9 are known to be pathogenic (PMID:¬†20177705,¬†¬†22353939). This deletion is also predicted to eliminate the translation start codon of the BBS9 mRNA and result in an absent or truncated protein. This variant is a gross deletion of the genomic region encompassing exons 2-4 of the BBS9 gene. The 3' boundary is likely confined to the intronic region between exons 4 and 5; the 5' end of this event is unknown as it extends to the edge of the assayed region and may encompass additional genes.